The following is an entry in ClinVar:

NM_138459.5(NUS1):c.508G>A (p.Glu170Lys)

Gene: NUS1 (NUS1 dehydrodolichyl diphosphate synthase subunit; plus strand). Cytogenetic location: 6q22.1.
Variant type: single nucleotide variant.
Coding change: c.508G>A on transcript NM_138459.5 (MANE Select); coding-DNA position 508, G replaced by A.
Protein change: p.Glu170Lys; replaces glutamic acid 170 with lysine.
Molecular consequence: missense variant.
Genome position (GRCh38, 1-based): chr6:117,693,134, G>A. VCF-style: chr6-117693134-G-A. GRCh37 (hg19) VCF-style: chr6-118014297-G-A.
Other names: short protein forms E170K.
Identifiers: ClinVar variation 2107462 (VCV002107462.4), dbSNP rs1773265457, ClinGen allele CA365536807.
Genomic context (GRCh38, chr6:117,693,134, plus strand): 5'-GATGAAATTTTAAAACAACAGCAAGAACTTCTGGGCCTAGATTGTTCAAAATACTCACCA[G>A]AATTTGCAAATAGTAATGACAAAGATGATCAAGGTAAGCATGAGTGTATAATTGAACATG-3'
Protein context (NP_612468.1, residues 160-180): LGLDCSKYSP[Glu170Lys]FANSNDKDDQ

ClinVar aggregate classification (germline): Uncertain significance (1 of 4 stars; one submission).

Conditions:
Congenital disorder of glycosylation, type Iaa. Also called: Congenital disorder of glycosylation, type 1aa. Identifiers: MedGen C4310727, MONDO:0014904, OMIM 617082.

Allele frequency attached by ClinVar (database versions not stated): TOPMed below 0.00001.

Submission:

Labcorp Genetics (formerly Invitae), Labcorp
Classification: Uncertain significance for Congenital disorder of glycosylation, type Iaa. Last evaluated: 2022-03-06. Review status: criteria provided, single submitter. Criteria: Invitae Variant Classification Sherloc (09022015). Collection method: clinical testing. Allele origin: germline.
Comment: This sequence change replaces glutamic acid, which is acidic and polar, with lysine, which is basic and polar, at codon 170 of the NUS1 protein (p.Glu170Lys). This variant is not present in population databases (gnomAD no frequency). This variant has not been reported in the literature in individuals affected with NUS1-related conditions. Algorithms developed to predict the effect of missense changes on protein structure and function (SIFT, PolyPhen-2, Align-GVGD) all suggest that this variant is likely to be tolerated. In summary, the available evidence is currently insufficient to determine the role of this variant in disease. Therefore, it has been classified as a Variant of Uncertain Significance.